The following is an entry in ClinVar:

ClinVar aggregate classification (germline): Pathogenic. Review status: criteria provided, multiple submitters, no conflicts (2 of 4 stars). 2 submissions from 2 submitters: Pathogenic (2). Last evaluated 2023-02-23.

Conditions:
Chromosome 2q32-q33 deletion syndrome (GLASS). Also called: 2q33.1 deletion syndrome; Glass syndrome. Identifiers: Orphanet 251019, MedGen C2676739, MONDO:0012864, OMIM 612313.

Submissions (2):

3billion
Classification: Pathogenic for Chromosome 2q32-q33 deletion syndrome. Last evaluated: 2023-02-23. Review status: criteria provided, single submitter. Criteria: ACMG Guidelines, 2015. Collection method: clinical testing. Allele origin: unknown. Affected: yes.
Comment: The variant is not observed in the gnomAD v2.1.1 dataset. Missense changes are a common disease-causing mechanism. In silico tool predictions suggest damaging effect of the variant on gene or gene product (REVEL: 0.66; 3Cnet: 1.00). Different nucleotide change resulting in same amino acid change has been previously reported as pathogenic/likely pathogenic with strong evidence (ClinVar ID: VCV001343141). The variant has been previously reported as de novo in a similarly affected individual (PMID: 33624935). A different missense change at the same codon (p.Gly392Glu) has been reported to be associated with SATB2 related disorder (ClinVar ID: VCV000427210 / PMID: 31021519). Therefore, this variant is classified as Pathogenic according to the recommendation of ACMG/AMP guideline.

National Institute of Neuroscience, National Center of Neurology and Psychiatry
Classification: Pathogenic for Chromosome 2q32-q33 deletion syndrome. Review status: criteria provided, single submitter. Criteria: ACMG Guidelines, 2015. Collection method: research. Allele origin: de novo. Affected: yes. Observed: 1 variant allele.

Literature cited by the submitters: PubMed 33624935 (cited by 3billion and National Institute of Neuroscience, National Center of Neurology and Psychiatry); PubMed 31021519 (cited by 3billion).

NM_001172509.2(SATB2):c.1174G>A (p.Gly392Arg)

Gene: SATB2 (SATB homeobox 2; minus strand). Cytogenetic location: 2q33.1.
Variant type: single nucleotide variant.
Coding change: c.1174G>A on transcript NM_001172509.2 (MANE Select); coding-DNA position 1174, G replaced by A.
Protein change: p.Gly392Arg; replaces glycine 392 with arginine.
Molecular consequence: missense variant.
Genome position (GRCh38, 1-based): chr2:199,328,910, C>T on the plus strand (G>A on the coding strand, the complement: SATB2 is on the minus strand). VCF-style: chr2-199328910-C-T. GRCh37 (hg19) VCF-style: chr2-200193633-C-T.
Other names: c.1174G>A, p.Gly392Arg (NM_001172517.1, NM_015265.4); short protein forms G392R.
Identifiers: ClinVar variation 981628 (VCV000981628.2), dbSNP rs1688108689, ClinGen allele CA350386593.